The following is an entry in ClinVar:

ClinVar aggregate classification (germline): Likely benign. Review status: criteria provided, multiple submitters, no conflicts (2 of 4 stars). 3 submissions from 3 submitters: Likely benign (3). Last evaluated 2024-02-22.

Conditions:
Familial thoracic aortic aneurysm and aortic dissection (TAAD). Also called: Thoracic aortic aneurysms and dissections. Identifiers: Orphanet 91387, MedGen C4707243, MONDO:0019625.
Aortic aneurysm, familial thoracic 4 (AAT4). Also called: AORTIC ANEURYSM/AORTIC DISSECTION AND PATENT DUCTUS ARTERIOSUS. Identifiers: MedGen C1851504, MONDO:0007568, OMIM 132900.

Allele frequency attached by ClinVar (database versions not stated): gnomAD 0.00001; gnomAD exomes 0.00001.
gnomAD v4.1: 11 of 1,614,072 alleles (0.00068%); highest among the groups gnomAD compares: Middle Eastern, 0.016%; no homozygotes.

Submissions (3):

All of Us Research Program, National Institutes of Health
Classification: Likely benign for Familial thoracic aortic aneurysm and aortic dissection. Last evaluated: 2024-02-22. Review status: criteria provided, single submitter. Criteria: ACMG Guidelines, 2015. Collection method: clinical testing. Allele origin: germline. Inheritance: Autosomal dominant inheritance. Observed: 5 variant alleles, 5 heterozygotes.
Comment: This study involves interpretation of variants in research participants for the purpose of population health screening. Participant phenotype was not available at the time of variant classification. Additional details can be found in publication PMID: 35346344, PMCID: PMC8962531

Labcorp Genetics (formerly Invitae), Labcorp
Classification: Likely benign for Aortic aneurysm, familial thoracic 4. Last evaluated: 2023-02-14. Review status: criteria provided, single submitter. Criteria: Invitae Variant Classification Sherloc (09022015). Collection method: clinical testing. Allele origin: germline.

Color Diagnostics, LLC DBA Color Health
Classification: Likely benign for Familial thoracic aortic aneurysm and aortic dissection. Last evaluated: 2020-07-27. Review status: criteria provided, single submitter. Criteria: ACMG Guidelines, 2015. Collection method: clinical testing. Allele origin: germline.

NM_002474.3(MYH11):c.1557C>T (p.Ile519=)

Gene: MYH11 (myosin heavy chain 11; minus strand). Cytogenetic location: 16p13.11.
Variant type: single nucleotide variant.
Coding change: c.1557C>T on transcript NM_002474.3 (MANE Select); coding-DNA position 1557, C replaced by T.
Protein change: p.Ile519=; no amino-acid change (isoleucine 519 retained).
Molecular consequence: synonymous variant.
Genome position (GRCh38, 1-based): chr16:15,757,845, G>A on the plus strand (C>T on the coding strand, the complement: MYH11 is on the minus strand). VCF-style: chr16-15757845-G-A. GRCh37 (hg19) VCF-style: chr16-15851702-G-A.
Other names: c.1578C>T, p.Ile526= (NM_001040113.2, NM_001040114.2); c.1557C>T, p.Ile519= (NM_022844.3).
Identifiers: ClinVar variation 759703 (VCV000759703.13), dbSNP rs959105164, ClinGen allele CA278644316.